The following is an entry in ClinVar:

NM_001851.6(COL9A1):c.751A>G (p.Thr251Ala)

Gene: COL9A1 (collagen type IX alpha 1 chain; minus strand). Cytogenetic location: 6q13.
Variant type: single nucleotide variant.
Coding change: c.751A>G on transcript NM_001851.6 (MANE Select); coding-DNA position 751, A replaced by G.
Protein change: p.Thr251Ala; replaces threonine 251 with alanine.
Molecular consequence: missense variant.
Genome position (GRCh38, 1-based): chr6:70,283,766, T>C on the plus strand (A>G on the coding strand, the complement: COL9A1 is on the minus strand). VCF-style: chr6-70283766-T-C. GRCh37 (hg19) VCF-style: chr6-70993469-T-C.
Other names: c.751A>G, p.Thr251Ala (NM_001377291.1); short protein forms T251A.
Identifiers: ClinVar variation 450502 (VCV000450502.5), dbSNP rs1478081797, ClinGen allele CA364667187.

ClinVar aggregate classification (germline): Uncertain significance. Review status: criteria provided, multiple submitters, no conflicts (2 of 4 stars). 2 submissions from 2 submitters: Uncertain significance (2). Last evaluated 2024-05-21.

Allele frequency attached by ClinVar (database versions not stated): TOPMed below 0.00001; gnomAD exomes 0.00001; gnomAD 0.00002.
gnomAD v4.1: 16 of 1,611,962 alleles (0.00099%); highest among the groups gnomAD compares: Non-Finnish European, 0.0014%; no homozygotes.

Submissions (2):

GeneDx
Classification: Uncertain significance. Last evaluated: 2024-05-21. Review status: criteria provided, single submitter. Criteria: GeneDx Variant Classification Process June 2021. Collection method: clinical testing. Allele origin: germline. Affected: yes.
Comment: Not observed at significant frequency in large population cohorts (gnomAD); In silico analysis supports that this missense variant has a deleterious effect on protein structure/function; Has not been previously published as pathogenic or benign to our knowledge

Labcorp Genetics (formerly Invitae), Labcorp
Classification: Uncertain significance. Last evaluated: 2022-05-08. Review status: criteria provided, single submitter. Criteria: Invitae Variant Classification Sherloc (09022015). Collection method: clinical testing. Allele origin: germline.
Comment: This sequence change replaces threonine, which is neutral and polar, with alanine, which is neutral and non-polar, at codon 251 of the COL9A1 protein (p.Thr251Ala). This variant is present in population databases (no rsID available, gnomAD 0.007%). This variant has not been reported in the literature in individuals affected with COL9A1-related conditions. ClinVar contains an entry for this variant (Variation ID: 450502). Advanced modeling of protein sequence and biophysical properties (such as structural, functional, and spatial information, amino acid conservation, physicochemical variation, residue mobility, and thermodynamic stability) performed at Invitae indicates that this missense variant is not expected to disrupt COL9A1 protein function. In summary, the available evidence is currently insufficient to determine the role of this variant in disease. Therefore, it has been classified as a Variant of Uncertain Significance.